The following is an entry in ClinVar:

ClinVar aggregate classification (germline): Pathogenic. Review status: criteria provided, multiple submitters, no conflicts (2 of 4 stars). 43 submissions from 42 submitters: Pathogenic (34). 9 of the submissions do not count toward it. Last evaluated 2026-08-01.

Conditions:
Congenital pontocerebellar hypoplasia type 1. Also called: Pontocerebellar hypoplasia type 1. Identifiers: Orphanet 2254, MedGen C5442006, MONDO:0016396.
Hypotonia. Also called: poor muscle tone; Muscular hypotonia. Identifiers: MedGen C0026827, HP:0001252.
EXOSC3-related disorder. Also called: EXOSC3-related condition.
Inborn genetic diseases. Identifiers: MedGen C0950123, MeSH D030342.
Pontocerebellar hypoplasia type 1B. Also called: EXOSC3 Pontocerebellar Hypoplasia. Identifiers: Orphanet 2254, MedGen C3553449, MONDO:0013853, OMIM 614678.
Abnormality of the nervous system. Also called: Congenital nervous system disorder. Identifiers: MedGen C0497552, MONDO:0002320, HP:0000707.

Allele frequency attached by ClinVar (database versions not stated): ExAC 0.00032; gnomAD exomes 0.00041 and 0.00074; gnomAD 0.00048; ESP Exome Variant Server 0.00085; TOPMed 0.00036.
gnomAD v4.1: 1,139 of 1,613,954 alleles (0.071%); highest among the groups gnomAD compares: Non-Finnish European, 0.09%; no homozygotes.

Submissions 1 to 14 of 43:

CeGaT Center for Human Genetics Tuebingen
Classification: Pathogenic. Last evaluated: 2026-08-01. Review status: criteria provided, single submitter. Criteria: CeGaT Center For Human Genetics Tuebingen Variant Classification Criteria Version 2. Collection method: clinical testing. Allele origin: germline. Affected: yes. Observed: 8 variant alleles.
Comment: EXOSC3: PM3:Very Strong, PP1:Strong, PM2

Labcorp Genetics (formerly Invitae), Labcorp
Classification: Pathogenic for Pontocerebellar hypoplasia type 1B. Last evaluated: 2026-01-26. Review status: criteria provided, single submitter. Criteria: Invitae Variant Classification Sherloc (09022015). Collection method: clinical testing. Allele origin: germline.
Comment: This sequence change replaces aspartic acid, which is acidic and polar, with alanine, which is neutral and non-polar, at codon 132 of the EXOSC3 protein (p.Asp132Ala). This variant is present in population databases (rs141138948, gnomAD 0.07%). This missense change has been observed in individuals with pontocerebellar hypoplasia (PMID: 22544365, 23975261, 24524299, 25533962). It has also been observed to segregate with disease in related individuals. ClinVar contains an entry for this variant (Variation ID: 31688). Invitae Evidence Modeling of protein sequence and biophysical properties (such as structural, functional, and spatial information, amino acid conservation, physicochemical variation, residue mobility, and thermodynamic stability) indicates that this missense variant is expected to disrupt EXOSC3 protein function with a positive predictive value of 95%. Experimental studies are conflicting or provide insufficient evidence to determine the effect of this variant on EXOSC3 function (PMID: 22544365, 27777260, 28687512). For these reasons, this variant has been classified as Pathogenic.

3billion
Classification: Pathogenic for Pontocerebellar hypoplasia type 1B. Last evaluated: 2025-08-19. Review status: criteria provided, single submitter. Criteria: ACMG Guidelines, 2015. Collection method: clinical testing. Allele origin: germline. Affected: yes.
Comment: The variant is observed at an extremely low frequency in the gnomAD v4.1.0 dataset (total allele frequency: 0.071%). Predicted Consequence/Location: Missense variant In silico tool predictions suggest damaging effect of the variant on gene or gene product [REVEL: 0.91 (>=0.6, sensitivity 0.68 and specificity 0.92); 3Cnet: 0.93 (> 0.75, sensitivity 0.96 and precision 0.92)]. The same nucleotide change resulting in the same amino acid change has been previously reported as pathogenic/likely pathogenic with strong evidence (ClinVar ID: VCV000031688 /PMID: 22544365 /3billion dataset). The variant has been observed in multiple (>3) similarly affected unrelated individuals (PMID: 22544365, 24524299). The variant has been reported to be in trans with a pathogenic variant as either compound heterozygous or homozygous in at least one similarly affected unrelated individual (PMID: 22544365). A different missense change at the same codon (p.Asp132Tyr) has been reported to be associated with EXOSC3-related disorder (PMID: 34582790). Therefore, this variant is classified as Pathogenic according to the recommendation of ACMG/AMP guideline.

Laboratory of Genetics, Children's Clinical University Hospital Latvia
Classification: Pathogenic. Last evaluated: 2025-02-16. Review status: criteria provided, single submitter. Criteria: ACMG Guidelines, 2015. Collection method: clinical testing. Allele origin: germline. Affected: yes.

Mayo Clinic Laboratories, Mayo Clinic
Classification: Pathogenic. Last evaluated: 2024-11-01. Review status: criteria provided, single submitter. Criteria: ACMG Guidelines, 2015. Collection method: clinical testing. Allele origin: germline. Observed: 1 variant allele.
Comment: PP1, PP3, PM3_strong, PS4

Blueprint Genetics
Classification: Pathogenic for EXOSC3-related disorders. Last evaluated: 2024-09-23. Review status: criteria provided, single submitter. Criteria: ACMG Guidelines, 2015. Collection method: clinical testing. Allele origin: germline. Affected: yes. Observed: 5 variant alleles.

Fulgent Genetics
Classification: Pathogenic for Pontocerebellar hypoplasia type 1B. Last evaluated: 2024-02-05. Review status: criteria provided, single submitter. Criteria: ACMG Guidelines, 2015. Collection method: clinical testing. Allele origin: germline.

Institute of Human Genetics, University of Leipzig Medical Center
Classification: Pathogenic for Pontocerebellar hypoplasia type 1B. Last evaluated: 2023-12-14. Review status: criteria provided, single submitter. Criteria: ACMG Guidelines, 2015. Collection method: clinical testing. Allele origin: unknown. Inheritance: Autosomal recessive inheritance. Affected: yes.
Comment: Criteria applied: PM3_VSTR,PS3_SUP,PM2_SUP,PP3

Department of Pathology and Laboratory Medicine, Sinai Health System
Classification: Pathogenic for Congenital pontocerebellar hypoplasia type 1. Last evaluated: 2023-02-08. Review status: criteria provided, single submitter. Criteria: ACMG Guidelines, 2015. Collection method: research. Allele origin: germline.

Center for Personalized Medicine, Children's Hospital Los Angeles
Classification: Pathogenic. Last evaluated: 2022-12-21. Review status: criteria provided, single submitter. Criteria: ACMG Guidelines, 2015. Collection method: clinical testing. Allele origin: biparental. Affected: yes.

Revvity Omics, Revvity
Classification: Pathogenic for Pontocerebellar hypoplasia type 1B. Last evaluated: 2022-07-26. Review status: criteria provided, single submitter. Criteria: ACMG Guidelines, 2015. Collection method: clinical testing. Allele origin: germline.

MGZ Medical Genetics Center
Classification: Pathogenic for Pontocerebellar hypoplasia type 1B. Last evaluated: 2022-05-27. Review status: criteria provided, single submitter. Criteria: ACMG Guidelines, 2015. Collection method: clinical testing. Allele origin: germline. Affected: yes. Observed: 1 variant allele.
Comment: ACMG criteria applied: PP1_STR, PS4_MOD, PM3, PM2_SUP, PP3

Victorian Clinical Genetics Services, Murdoch Childrens Research Institute
Classification: Pathogenic for Pontocerebellar hypoplasia type 1B. Last evaluated: 2022-03-31. Review status: criteria provided, single submitter. Criteria: ACMG Guidelines, 2015. Collection method: clinical testing. Allele origin: germline. Inheritance: Autosomal recessive inheritance. Affected: yes.
Comment: Based on the classification scheme VCGS_Germline_v1.3.4, this variant is classified as Pathogenic. Following criteria are met: 0102 - Loss of function is a known mechanism of disease in this gene and is associated with pontocerebellar hypoplasia, type 1B (MIM#614678). (I) 0106 - This gene is associated with autosomal recessive disease. (I) 0200 - Variant is predicted to result in a missense amino acid change from aspartic acid to alanine. (I) 0252 - This variant is homozygous. (I) 0304 - Variant is present in gnomAD v2 <0.01 for a recessive condition (115 heterozygotes, 0 homozygotes). (SP) 0309 - An alternative amino acid change at the same position has been observed in gnomAD (v2) (9 heterozygotes, 0 homozygotes). (I) 0501 - Missense variant consistently predicted to be damaging by multiple in silico tools or highly conserved with a major amino acid change. (SP) 0600 - Variant is located in the annotated RNA binding S1 domain (PMID: 22544365). (I) 0801 - This variant has strong previous evidence of pathogenicity in unrelated individuals. This variant has been reported multiple times as pathogenic and likely pathogenic, and has been reported in many homozygous and compound heterozygous patients with pontocerebellar hypoplasia (ClinVar, PMID: 22544365). (I) Legend: (SP) - Supporting pathogenic, (I) - Information, (SB) - Supporting benign

Dasa
Classification: Pathogenic for Pontocerebellar hypoplasia type 1B. Last evaluated: 2022-01-05. Review status: criteria provided, single submitter. Criteria: ACMG Guidelines, 2015. Collection method: clinical testing. Allele origin: germline. Affected: yes. Observed: 1 variant allele.
Comment: The c.395A>C;p.(Asp132Ala) missense variant has been observed in affected individual(s) and ClinVar contains an entry for this variant (ClinVar ID: 31688; PMID: 23975261; 28687512; 30986545; 23564332; 23564332; 29656927; 24524299; 27146152; 24970098; 23883322; 22544365) -. PS4.The variant is present at low allele frequencies population databases (rs141138948– gnomAD 0.004796%; ABraOM 0.000854 frequency) - PM2_supporting. The p.(Asp132Ala) was detected in trans with a pathogenic variant (PMID: 23975261; 28687512; 23564332; 23564332; 24524299; 24524299; 27146152) -PM3_very strong The variant co-segregated with disease in multiple affected family members (PMID: 23975261; 30986545; 23564332; 27146152) - PP1_strong. Multiple lines of computational evidence support a deleterious effect on the gene or gene product - PP3. In summary, the currently available evidence indicates that the variant is pathogenic.

NM_016042.4(EXOSC3):c.395A>C (p.Asp132Ala)

Gene: EXOSC3 (exosome component 3; minus strand). Cytogenetic location: 9p13.2.
Variant type: single nucleotide variant.
Coding change: c.395A>C on transcript NM_016042.4 (MANE Select); coding-DNA position 395, A replaced by C.
Protein change: p.Asp132Ala; replaces aspartic acid 132 with alanine.
Molecular consequence: missense variant.
Genome position (GRCh38, 1-based): chr9:37,783,993, T>G on the plus strand (A>C on the coding strand, the complement: EXOSC3 is on the minus strand). VCF-style: chr9-37783993-T-G. GRCh37 (hg19) VCF-style: chr9-37783990-T-G.
Other names: c.395A>C, p.Asp132Ala (NM_001002269.2); short protein forms D132A.
Identifiers: ClinVar variation 31688 (VCV000031688.98), dbSNP rs141138948, ClinGen allele CA204654.